The following is an entry in ClinVar:

ClinVar aggregate classification (germline): Uncertain significance. Review status: criteria provided, multiple submitters, no conflicts (2 of 4 stars). 2 submissions from 2 submitters: Uncertain significance (2). Last evaluated 2022-08-01.

Allele frequency attached by ClinVar (database versions not stated): TOPMed below 0.00001.

Submissions (2):

Blueprint Genetics
Classification: Uncertain significance. Last evaluated: 2022-08-01. Review status: criteria provided, single submitter. Criteria: ACMG Guidelines, 2015. Collection method: clinical testing. Allele origin: germline.

Labcorp Genetics (formerly Invitae), Labcorp
Classification: Uncertain significance. Last evaluated: 2022-03-31. Review status: criteria provided, single submitter. Criteria: Invitae Variant Classification Sherloc (09022015). Collection method: clinical testing. Allele origin: germline.
Comment: This variant is not present in population databases (gnomAD no frequency). This sequence change replaces glutamic acid, which is acidic and polar, with glycine, which is neutral and non-polar, at codon 3246 of the CDH23 protein (p.Glu3246Gly). This variant has not been reported in the literature in individuals affected with CDH23-related conditions. In summary, the available evidence is currently insufficient to determine the role of this variant in disease. Therefore, it has been classified as a Variant of Uncertain Significance. Algorithms developed to predict the effect of sequence changes on RNA splicing suggest that this variant may disrupt the consensus splice site. Algorithms developed to predict the effect of missense changes on protein structure and function are either unavailable or do not agree on the potential impact of this missense change (SIFT: "Deleterious"; PolyPhen-2: "Not Available"; Align-GVGD: "Class C0").

NM_022124.6(CDH23):c.9737A>G (p.Glu3246Gly)

Gene: CDH23 (cadherin related 23; plus strand). Cytogenetic location: 10q22.1.
Variant type: single nucleotide variant.
Coding change: c.9737A>G on transcript NM_022124.6 (MANE Select); coding-DNA position 9737, A replaced by G.
Protein change: p.Glu3246Gly; replaces glutamic acid 3246 with glycine.
Molecular consequence: missense variant. On other transcripts: intron variant (2).
Genome position (GRCh38, 1-based): chr10:71,813,347, A>G. VCF-style: chr10-71813347-A-G. GRCh37 (hg19) VCF-style: chr10-73573104-A-G.
Other names: c.3017A>G, p.Glu1006Gly (NM_001171933.1); c.428A>G, p.Glu143Gly (NM_001171935.1); c.2913+457A>G (NM_001171934.1); c.324+457A>G (NM_001171936.1); short protein forms E3246G, E1006G, E143G.
Identifiers: ClinVar variation 1373064 (VCV001373064.7), dbSNP rs1842007293, ClinGen allele CA377137423.